The following is an entry in ClinVar:

ClinVar aggregate classification (germline): Likely pathogenic (1 of 4 stars; one submission).

Conditions:
Familial hemophagocytic lymphohistiocytosis 3 (FHL3). Also called: UNC13D-Related Familial Hemophagocytic Lymphohistiocytosis (UNC13D-fHLH). Identifiers: Orphanet 540, MedGen C1837174, MONDO:0012146, OMIM 608898.

Submission:

3billion
Classification: Likely pathogenic for Familial hemophagocytic lymphohistiocytosis 3. Last evaluated: 2024-08-06. Review status: criteria provided, single submitter. Criteria: ACMG Guidelines, 2015. Collection method: clinical testing. Allele origin: germline. Affected: yes.
Comment: The variant is not observed in the gnomAD v4.0.0 dataset. Predicted Consequence/Location: Stop-gained (nonsense): predicted to result in a loss or disruption of normal protein function through nonsense-mediated decay (NMD) or protein truncation. Multiple pathogenic variants are reported downstream of the variant. Therefore, this variant is classified as Likely pathogenic according to the recommendation of ACMG/AMP guideline.

NM_199242.3(UNC13D):c.1320del (p.Lys440_Met441insTer)

Gene: UNC13D (unc-13 homolog D; minus strand). Cytogenetic location: 17q25.1.
Variant type: Deletion.
Coding change: c.1320del on transcript NM_199242.3 (MANE Select); coding-DNA position 1320, one base deleted (G; older notation c.1320delG).
Protein change: p.Lys440_Met441insTer.
Molecular consequence: frameshift variant.
Genome position (GRCh38, 1-based): chr17:75,836,408, C deleted on the plus strand (G on the coding strand, the reverse complement: UNC13D is on the minus strand). VCF-style (leftmost placement, unchanged base first): chr17-75836407-TC-T. GRCh37 (hg19) VCF-style: chr17-73832488-TC-T.
Identifiers: ClinVar variation 4292987 (VCV004292987.1).